The following is an entry in ClinVar:

ClinVar aggregate classification (germline): Benign (1 of 4 stars; one submission).

Allele frequency attached by ClinVar (database versions not stated): gnomAD exomes 0.28670; TOPMed 0.29749; gnomAD 0.30262; 1000 Genomes Project 30x 0.40803; 1000 Genomes Project 0.41534.
gnomAD v4.1: 370,365 of 1,280,998 alleles (29%); highest among the groups gnomAD compares: East Asian, 60%; 58,775 homozygotes.

Submission:

Unidad de Genómica Garrahan, Hospital de Pediatría Garrahan
Classification: Benign. Last evaluated: 2024-01-24. Review status: criteria provided, single submitter. Criteria: ACMG Guidelines, 2015. Collection method: clinical testing. Allele origin: germline. Affected: no. Observed: 41 variant alleles.
Comment: This variant is classified as Benign based on local population frequency. This variant was detected in 43% of patients studied by a panel of primary immunodeficiencies. Number of patients: 41. Only high quality variants are reported.

NM_003177.7(SYK):c.1003+91G>A

Gene: SYK (spleen associated tyrosine kinase; plus strand). Cytogenetic location: 9q22.2.
Variant type: single nucleotide variant.
Coding change: c.1003+91G>A on transcript NM_003177.7 (MANE Select); 91 bases into the intron after coding-DNA position 1003, G replaced by A.
Molecular consequence: intron variant.
Genome position (GRCh38, 1-based): chr9:90,874,382, G>A. VCF-style: chr9-90874382-G-A. GRCh37 (hg19) VCF-style: chr9-93636664-G-A.
Other names: c.934+91G>A (NM_001174168.3, NM_001135052.4); c.1003+91G>A (NM_001174167.3).
Identifiers: ClinVar variation 2688172 (VCV002688172.2), dbSNP rs290227, ClinGen allele CA12992426.